The following is an entry in ClinVar:

ClinVar aggregate classification (germline): Likely pathogenic (1 of 4 stars; one submission).

Conditions:
Argininosuccinate lyase deficiency. Also called: ARGININOSUCCINIC ACID LYASE DEFICIENCY; ASL DEFICIENCY; Argininosuccinic aciduria. Identifiers: Orphanet 23, MedGen C0268547, MONDO:0008815, OMIM 207900, HP:0025630.

Allele frequency attached by ClinVar (database versions not stated): gnomAD exomes below 0.00001 and 0.00001; ExAC 0.00001; TOPMed 0.00002.
gnomAD v4.1: 8 of 1,613,796 alleles (0.0005%); highest among the groups gnomAD compares: Admixed American, 0.0017%; no homozygotes.

Submission:

Labcorp Genetics (formerly Invitae), Labcorp
Classification: Likely pathogenic for Argininosuccinate lyase deficiency. Last evaluated: 2025-07-30. Review status: criteria provided, single submitter. Criteria: Invitae Variant Classification Sherloc (09022015). Collection method: clinical testing. Allele origin: germline.
Comment: This sequence change replaces aspartic acid, which is acidic and polar, with asparagine, which is neutral and polar, at codon 152 of the ASL protein (p.Asp152Asn). This variant is present in population databases (rs780023054, gnomAD 0.003%). This missense change has been observed in individual(s) with clinical features of argininosuccinate lyase deficiency (internal data). In at least one individual the data is consistent with being in trans (on the opposite chromosome) from a pathogenic variant. ClinVar contains an entry for this variant (Variation ID: 1490070). Invitae Evidence Modeling of protein sequence and biophysical properties (such as structural, functional, and spatial information, amino acid conservation, physicochemical variation, residue mobility, and thermodynamic stability) indicates that this missense variant is expected to disrupt ASL protein function with a positive predictive value of 80%. In summary, the currently available evidence indicates that the variant is pathogenic, but additional data are needed to prove that conclusively. Therefore, this variant has been classified as Likely Pathogenic.

NM_000048.4(ASL):c.454G>A (p.Asp152Asn)

Gene: ASL (argininosuccinate lyase; plus strand). Cytogenetic location: 7q11.21.
Variant type: single nucleotide variant.
Coding change: c.454G>A on transcript NM_000048.4 (MANE Select); coding-DNA position 454, G replaced by A.
Protein change: p.Asp152Asn; replaces aspartic acid 152 with asparagine.
Molecular consequence: missense variant.
Genome position (GRCh38, 1-based): chr7:66,086,592, G>A. VCF-style: chr7-66086592-G-A. GRCh37 (hg19) VCF-style: chr7-65551579-G-A.
Other names: c.454G>A, p.Asp152Asn (NM_001024943.2, NM_001024944.2, NM_001024946.2); short protein forms D152N.
Identifiers: ClinVar variation 1490070 (VCV001490070.8), dbSNP rs780023054, ClinGen allele CA4276973.
Genomic context (GRCh38, chr7:66,086,592, plus strand): 5'-AGGCAGGCCTTGCATGAGCCTCCACCCGAGCTTCTGCTCCTCCTCTCCCACAGGGAACGT[G>A]ATGTTCTCTTCCCGGGGTACACCCATTTGCAGAGGGCCCAGCCCATCCGCTGGAGCCACT-3'
Protein context (NP_000039.2, residues 142-162): TMVDRAEAER[Asp152Asn]VLFPGYTHLQ